The following is an entry in ClinVar:

ClinVar aggregate classification (germline): Likely benign. Review status: criteria provided, multiple submitters, no conflicts (2 of 4 stars). 2 submissions from 2 submitters: Likely benign (2). Last evaluated 2026-02-03.

Conditions:
Autosomal recessive limb-girdle muscular dystrophy type 2J (LGMDR10). Also called: MUSCULAR DYSTROPHY, LIMB-GIRDLE, AUTOSOMAL RECESSIVE 10; Limb-girdle muscular dystrophy, type 2J. Identifiers: Orphanet 140922, MedGen C1837342, MONDO:0012127, OMIM 608807.
Dilated cardiomyopathy 1G (CMD1G). Identifiers: Orphanet 154, MedGen C1858763, MONDO:0011400, OMIM 604145.

Allele frequency attached by ClinVar (database versions not stated): gnomAD exomes 0.00003; gnomAD 0.00013 and 0.00012; TOPMed 0.00019; 1000 Genomes Project 0.00040; ExAC 0.00005; ESP Exome Variant Server 0.00008; 1000 Genomes Project 30x 0.00047.
gnomAD v4.1: 30 of 1,612,944 alleles (0.0019%); highest among the groups gnomAD compares: African/African-American, 0.028%; no homozygotes.

Submissions (2):

Labcorp Genetics (formerly Invitae), Labcorp
Classification: Likely benign for Dilated cardiomyopathy 1G; Autosomal recessive limb-girdle muscular dystrophy type 2J. Last evaluated: 2026-02-03. Review status: criteria provided, single submitter. Criteria: Invitae Variant Classification Sherloc (09022015). Collection method: clinical testing. Allele origin: germline.

GeneDx
Classification: Likely benign. Last evaluated: 2018-01-30. Review status: criteria provided, single submitter. Criteria: GeneDx Variant Classification (06012015). Collection method: clinical testing. Allele origin: germline. Affected: yes.
Comment: This variant is considered likely benign or benign based on one or more of the following criteria: it is a conservative change, it occurs at a poorly conserved position in the protein, it is predicted to be benign by multiple in silico algorithms, and/or has population frequency not consistent with disease.

NM_001267550.2(TTN):c.57262+15T>G

Genes: TTN-AS1 (TTN antisense RNA 1; plus strand), TTN (titin; minus strand). Cytogenetic location: 2q31.2.
Variant type: single nucleotide variant.
Coding change: c.57262+15T>G on transcript NM_001267550.2 (MANE Select); 15 bases into the intron after coding-DNA position 57262, T replaced by G.
Molecular consequence: intron variant.
Genome position (GRCh38, 1-based): chr2:178,597,893, A>C on the plus strand (T>G on the coding strand, the complement: TTN is on the minus strand). VCF-style: chr2-178597893-A-C. GRCh37 (hg19) VCF-style: chr2-179462620-A-C.
Other names: c.52339+15T>G (NM_001256850.1); c.30067+15T>G (NM_003319.4); c.30643+15T>G (NM_133437.4); c.30442+15T>G (NM_133432.3); c.49558+15T>G (NM_133378.4).
Identifiers: ClinVar variation 515290 (VCV000515290.9), dbSNP rs370875441, ClinGen allele CA1993083.